The following is an entry in ClinVar:

ClinVar aggregate classification (germline): Uncertain significance (1 of 4 stars; one submission).

Conditions:
NCOA1-related disorder. Also called: NCOA1-related condition.

gnomAD v4.1: 1 of 1,614,084 alleles (0.000062%); highest among the groups gnomAD compares: African/African-American, 0.0013%; no homozygotes.

Submission:

PreventionGenetics, part of Exact Sciences
Classification: Uncertain significance for NCOA1-related condition. Last evaluated: 2025-05-06. Review status: criteria provided, single submitter. Criteria: ACMG Guidelines, 2015. Collection method: clinical testing. Allele origin: germline.
Comment: The NCOA1 c.1748A>G variant is predicted to result in the amino acid substitution p.Lys583Arg. To our knowledge, this variant has not been reported in the literature. This variant is reported in 0.023% of alleles in individuals of African descent in gnomAD. At this time, the clinical significance of this variant is uncertain due to the absence of conclusive functional and genetic evidence.

NM_003743.5(NCOA1):c.1748A>G (p.Lys583Arg)

Gene: NCOA1 (nuclear receptor coactivator 1; plus strand). Cytogenetic location: 2p23.3.
Variant type: single nucleotide variant.
Coding change: c.1748A>G on transcript NM_003743.5 (MANE Select); coding-DNA position 1748, A replaced by G.
Protein change: p.Lys583Arg; replaces lysine 583 with arginine.
Molecular consequence: missense variant.
Genome position (GRCh38, 1-based): chr2:24,707,218, A>G. VCF-style: chr2-24707218-A-G. GRCh37 (hg19) VCF-style: chr2-24930087-A-G.
Other names: c.1748A>G, p.Lys583Arg (NM_001362950.1, NM_001362952.1, NM_001362954.1 and 3 more transcripts); short protein forms K583R.
Identifiers: ClinVar variation 4997461 (VCV004997461.1).
Genomic context (GRCh38, chr2:24,707,218, plus strand): 5'-AGATGAGCTCACAGAATTCACCTAGCAGATTAAATATACAACCAGCAAAAGCTGAGTCCA[A>G]AGATAACAAAGAGATTGCCTCAATTTTAAATGAAATGATTCAATCTGACAACAGCTCTAG-3'
Protein context (NP_003734.3, residues 573-593): LNIQPAKAES[Lys583Arg]DNKEIASILN